The following is an entry in ClinVar:

NM_000038.6(APC):c.723A>G (p.Glu241=)

Gene: APC (APC regulator of Wnt signaling pathway; plus strand). Cytogenetic location: 5q22.2.
Variant type: single nucleotide variant.
Coding change: c.723A>G on transcript NM_000038.6 (MANE Select); coding-DNA position 723, A replaced by G.
Protein change: p.Glu241=; no amino-acid change (glutamic acid 241 retained).
Molecular consequence: synonymous variant. On other transcripts: 5 prime UTR variant (1), intron variant (2).
Genome position (GRCh38, 1-based): chr5:112,792,523, A>G. VCF-style: chr5-112792523-A-G. GRCh37 (hg19) VCF-style: chr5-112128220-A-G.
Other names: c.723A>G, p.Glu241= (NM_001127510.3, NM_001354895.2, NM_001354896.2 and 1 more transcripts); c.753A>G, p.Glu251= (NM_001354897.2, NM_001354902.2); c.648A>G, p.Glu216= (NM_001354898.2, NM_001354904.2); c.546A>G, p.Glu182= (NM_001354900.2, NM_001354901.2, NM_001354905.2); c.-313A>G (NM_001354906.2); c.676-8756A>G (NM_001127511.3); c.646-8756A>G (NM_001354899.2).
Identifiers: ClinVar variation 537699 (VCV000537699.16), dbSNP rs1302603852, ClinGen allele CA445755592.

ClinVar aggregate classification (germline): Benign/Likely benign. Review status: criteria provided, multiple submitters, no conflicts (2 of 4 stars). 4 submissions from 4 submitters: Benign (1); Likely benign (3). Last evaluated 2024-10-29.

Conditions:
Hereditary cancer-predisposing syndrome. Also called: Tumor predisposition; Hereditary Cancer Syndrome; Hereditary neoplastic syndrome; Neoplastic Syndromes, Hereditary. Identifiers: Orphanet 140162, MedGen C0027672, MeSH D009386, MONDO:0015356.
Familial adenomatous polyposis 1 (FAP1). Also called: FAMILIAL ADENOMATOUS POLYPOSIS 1, ATTENUATED; POLYPOSIS, ADENOMATOUS INTESTINAL. Identifiers: MedGen C2713442, MONDO:0021056, OMIM 175100. Disease mechanism: loss of function.

Allele frequency attached by ClinVar (database versions not stated): TOPMed below 0.00001.

Submissions (4):

Labcorp Genetics (formerly Invitae), Labcorp
Classification: Likely benign for Familial adenomatous polyposis 1. Last evaluated: 2024-10-29. Review status: criteria provided, single submitter. Criteria: Invitae Variant Classification Sherloc (09022015). Collection method: clinical testing. Allele origin: germline.

Myriad Genetics, Inc.
Classification: Benign for Familial adenomatous polyposis 1. Last evaluated: 2024-02-26. Review status: criteria provided, single submitter. Criteria: Myriad Autosomal Dominant, Autosomal Recessive and X-Linked Classification Criteria (2023). Collection method: clinical testing. Allele origin: unknown.
Comment: This variant is considered benign. This variant is a silent/synonymous amino acid change and it is not expected to impact splicing.

Ambry Genetics
Classification: Likely benign for Hereditary cancer-predisposing syndrome. Last evaluated: 2021-03-08. Review status: criteria provided, single submitter. Criteria: Ambry Variant Classification Scheme 2023. Collection method: clinical testing. Allele origin: germline.

Color Diagnostics, LLC DBA Color Health
Classification: Likely benign for Hereditary cancer-predisposing syndrome. Last evaluated: 2018-08-28. Review status: criteria provided, single submitter. Criteria: ACMG Guidelines, 2015. Collection method: clinical testing. Allele origin: germline.